The following is an entry in ClinVar:

ClinVar aggregate classification (germline): Likely pathogenic (3 of 4 stars; one submission).

Conditions:
Marfan syndrome (MFS). Also called: MARFAN SYNDROME, TYPE I; FBN1-Related Marfan Syndrome; Marfan syndrome type 1; Marfan's syndrome; Marfan syndrome, classic. Identifiers: Orphanet 284963, Orphanet 558, MedGen C0024796, MONDO:0007947, OMIM 154700.

Submission:

ClinGen FBN1 Variant Curation Expert Panel, ClinGen
Classification: Likely pathogenic for Marfan syndrome. Last evaluated: 2023-06-15. Review status: reviewed by expert panel. Criteria: Assertion Criteria VCEP FBN1 Version 1. Collection method: curation. Allele origin: germline. Inheritance: Autosomal dominant inheritance.
Comment: The NM_000138 c.5734_5736del is predicted to cause an in-frame deletion (PM4) of a highly conserved phenylalanine residue between the third and fourth cysteine in a calcium binding EGF-like (cbEGF-like) domain at amino acid 1912 (p.Phe1912del). This phenylalanine is part of a beta-hydroxylase consensus sequence (CXD/NXXXXF/YXCXC) that is present in all cbEGF-like domains in fibrillin-1, and a phenylalanine or tyrosine must be intact at this position in order for beta-hydroxylation to occur (PM1) (PMID 12511552, 2826439). This variant has not been reported in ClinVar. This variant is not present in gnomAD v2.1.1 (PM2_sup). In summary, this variant meets criteria to be classified as likely pathogenic variant for Marfan syndrome based on the ACMG/AMP criteria applied, as specified by the ClinGen FBN1 VCEP: PM1, PM4, PM2_Supportive, PP4.

NM_000138.5(FBN1):c.5734_5736del (p.Phe1912del)

Gene: FBN1 (fibrillin 1; minus strand). Cytogenetic location: 15q21.1.
Variant type: Deletion.
Coding change: c.5734_5736del on transcript NM_000138.5 (MANE Select); coding-DNA positions 5734 to 5736, 3 bases deleted (TTC; older notation c.5734_5736delTTC).
Protein change: p.Phe1912del; deletes phenylalanine 1912.
Molecular consequence: inframe deletion.
Genome position (GRCh38, 1-based): chr15:48,446,758-48,446,760, GAA deleted on the plus strand (TTC on the coding strand, the reverse complement: FBN1 is on the minus strand); deleting any 3 consecutive bases within chr15:48,446,758-48,446,761 gives the same sequence; the c. name uses the placement nearest the transcript's 3' end. VCF-style (leftmost placement, unchanged base first): chr15-48446757-TGAA-T. GRCh37 (hg19) VCF-style: chr15-48738954-TGAA-T.
Other names: NM_000138.5:c.5734_5736del; c.5734_5736del, p.Phe1912del (NM_001406716.1); short protein forms F1912del.
Identifiers: ClinVar variation 2506004 (VCV002506004.1), dbSNP rs2505458480, ClinGen allele CA916084365.